The following is an entry in ClinVar:

ClinVar aggregate classification (germline): Uncertain significance (1 of 4 stars; one submission).

Submission:

Labcorp Genetics (formerly Invitae), Labcorp
Classification: Uncertain significance. Last evaluated: 2026-01-08. Review status: criteria provided, single submitter. Criteria: Invitae Variant Classification Sherloc (09022015). Collection method: clinical testing. Allele origin: germline.
Comment: This sequence change replaces threonine, which is neutral and polar, with alanine, which is neutral and non-polar, at codon 626 of the CLCN7 protein (p.Thr626Ala). This variant is not present in population databases (gnomAD no frequency). This variant has not been reported in the literature in individuals affected with CLCN7-related conditions. An algorithm developed to predict the effect of missense changes on protein structure and function (PolyPhen-2) suggests that this variant is likely to be tolerated. In summary, the available evidence is currently insufficient to determine the role of this variant in disease. Therefore, it has been classified as a Variant of Uncertain Significance.

NM_001287.6(CLCN7):c.1876A>G (p.Thr626Ala)

Gene: CLCN7 (chloride voltage-gated channel 7; minus strand). Cytogenetic location: 16p13.3.
Variant type: single nucleotide variant.
Coding change: c.1876A>G on transcript NM_001287.6 (MANE Select); coding-DNA position 1876, A replaced by G.
Protein change: p.Thr626Ala; replaces threonine 626 with alanine.
Molecular consequence: missense variant.
Genome position (GRCh38, 1-based): chr16:1,448,688, T>C on the plus strand (A>G on the coding strand, the complement: CLCN7 is on the minus strand). VCF-style: chr16-1448688-T-C. GRCh37 (hg19) VCF-style: chr16-1498689-T-C.
Other names: c.1804A>G, p.Thr602Ala (NM_001114331.3); short protein forms T602A, T626A.
Identifiers: ClinVar variation 4734929 (VCV004734929.1).